The following is an entry in ClinVar:

ClinVar aggregate classification (germline): Uncertain significance (1 of 4 stars; one submission).

Conditions:
Leber congenital amaurosis 12 (LCA12). Identifiers: Orphanet 65, MedGen C1857743, MONDO:0012525, OMIM 610612.

Allele frequency attached by ClinVar (database versions not stated): gnomAD 0.00001.

Submission:

Labcorp Genetics (formerly Invitae), Labcorp
Classification: Uncertain significance for Leber congenital amaurosis 12. Last evaluated: 2022-06-04. Review status: criteria provided, single submitter. Criteria: Invitae Variant Classification Sherloc (09022015). Collection method: clinical testing. Allele origin: germline.
Comment: This variant is not present in population databases (gnomAD no frequency). In summary, the available evidence is currently insufficient to determine the role of this variant in disease. Therefore, it has been classified as a Variant of Uncertain Significance. Algorithms developed to predict the effect of missense changes on protein structure and function output the following: SIFT: "Tolerated"; PolyPhen-2: "Benign"; Align-GVGD: "Class C0". The threonine amino acid residue is found in multiple mammalian species, which suggests that this missense change does not adversely affect protein function. This variant has not been reported in the literature in individuals affected with RD3-related conditions. This sequence change replaces isoleucine, which is neutral and non-polar, with threonine, which is neutral and polar, at codon 4 of the RD3 protein (p.Ile4Thr).

NM_001164688.2(RD3):c.11T>C (p.Ile4Thr)

Gene: RD3 (RD3 regulator of GUCY2D; minus strand). Cytogenetic location: 1q32.3.
Variant type: single nucleotide variant.
Coding change: c.11T>C on transcript NM_001164688.2 (MANE Select); coding-DNA position 11, T replaced by C.
Protein change: p.Ile4Thr; replaces isoleucine 4 with threonine.
Molecular consequence: missense variant.
Genome position (GRCh38, 1-based): chr1:211,481,405, A>G on the plus strand (T>C on the coding strand, the complement: RD3 is on the minus strand). VCF-style: chr1-211481405-A-G. GRCh37 (hg19) VCF-style: chr1-211654747-A-G.
Other names: c.11T>C, p.Ile4Thr (NM_183059.3); short protein forms I4T.
Identifiers: ClinVar variation 2060971 (VCV002060971.2), dbSNP rs1558179899, ClinGen allele CA344879734.